The following is an entry in ClinVar:

NM_014363.6(SACS):c.1627G>A (p.Val543Met)

Gene: SACS (sacsin molecular chaperone; minus strand). Cytogenetic location: 13q12.12.
Variant type: single nucleotide variant.
Coding change: c.1627G>A on transcript NM_014363.6 (MANE Select); coding-DNA position 1627, G replaced by A.
Protein change: p.Val543Met; replaces valine 543 with methionine.
Molecular consequence: missense variant.
Genome position (GRCh38, 1-based): chr13:23,354,985, C>T on the plus strand (G>A on the coding strand, the complement: SACS is on the minus strand). VCF-style: chr13-23354985-C-T. GRCh37 (hg19) VCF-style: chr13-23929124-C-T.
Other names: c.1186G>A, p.Val396Met (NM_001278055.2); short protein forms V396M, V543M.
Identifiers: ClinVar variation 1033689 (VCV001033689.3), dbSNP rs752705095, ClinGen allele CA6911882.

ClinVar aggregate classification (germline): Uncertain significance. Review status: criteria provided, multiple submitters, no conflicts (2 of 4 stars). 2 submissions from 2 submitters: Uncertain significance (2). Last evaluated 2021-06-18.

Conditions:
Inborn genetic diseases. Identifiers: MedGen C0950123, MeSH D030342.
Charlevoix-Saguenay spastic ataxia (SACS). Also called: AUTOSOMAL RECESSIVE SPASTIC ATAXIA OF CHARLEVOIX-SAGUENAY; Spastic ataxia of Charlevoix-Saguenay; SPASTIC ATAXIA 6, AUTOSOMAL RECESSIVE. Identifiers: Orphanet 98, MedGen C1849140, MONDO:0010041, OMIM 270550.

Allele frequency attached by ClinVar (database versions not stated): gnomAD exomes below 0.00001; TOPMed below 0.00001; ExAC 0.00001.
gnomAD v4.1: 5 of 1,614,264 alleles (0.00031%); highest among the groups gnomAD compares: Non-Finnish European, 0.00042%; no homozygotes.

Submissions (2):

Ambry Genetics
Classification: Uncertain significance for Inborn genetic diseases. Last evaluated: 2021-06-18. Review status: criteria provided, single submitter. Criteria: Ambry Variant Classification Scheme 2023. Collection method: clinical testing. Allele origin: germline.

Baylor Genetics
Classification: Uncertain significance for Charlevoix-Saguenay spastic ataxia. Last evaluated: 2018-11-13. Review status: criteria provided, single submitter. Criteria: ACMG Guidelines, 2015. Collection method: clinical testing. Allele origin: maternal. Affected: yes.
Comment: This variant was determined to be of uncertain significance according to ACMG Guidelines, 2015 [PMID:25741868].